The following is an entry in ClinVar:

ClinVar aggregate classification (germline): Conflicting classifications of pathogenicity. Review status: criteria provided, conflicting classifications (1 of 4 stars). 11 submissions from 11 submitters: Uncertain significance (1); Benign (3); Likely benign (6). 1 of the submissions does not count toward it. Last evaluated 2026-01-31.

Conditions:
TSC2-related disorder. Also called: TSC2-related condition; TSC2-Related Disorders.
Hereditary cancer-predisposing syndrome. Also called: Hereditary Cancer Syndrome; Tumor predisposition; Neoplastic Syndromes, Hereditary; Hereditary neoplastic syndrome. Identifiers: Orphanet 140162, MedGen C0027672, MeSH D009386, MONDO:0015356.
Tuberous sclerosis syndrome (TSC). Also called: Tuberous Sclerosis Complex; Tuberous sclerosis. Identifiers: Orphanet 805, MedGen C0041341, MONDO:0001734.
Tuberous sclerosis 2 (TSC2). Identifiers: Orphanet 805, MedGen C1860707, MONDO:0013199, OMIM 613254.

Allele frequency attached by ClinVar (database versions not stated): gnomAD 0.00004 and 0.00005; gnomAD exomes 0.00005; TOPMed 0.00006; ExAC 0.00008; ESP Exome Variant Server 0.00015; 1000 Genomes Project 0.00020; 1000 Genomes Project 30x 0.00031.
gnomAD v4.1: 81 of 1,606,318 alleles (0.005%); highest among the groups gnomAD compares: Non-Finnish European, 0.0061%; no homozygotes.

Submissions (11):

Labcorp Genetics (formerly Invitae), Labcorp
Classification: Benign for Tuberous sclerosis 2. Last evaluated: 2026-01-31. Review status: criteria provided, single submitter. Criteria: Invitae Variant Classification Sherloc (09022015). Collection method: clinical testing. Allele origin: germline.

Quest Diagnostics Nichols Institute San Juan Capistrano
Classification: Likely benign. Last evaluated: 2025-06-11. Review status: criteria provided, single submitter. Criteria: Quest Diagnostics criteria. Collection method: clinical testing. Allele origin: unknown.

CeGaT Center for Human Genetics Tuebingen
Classification: Likely benign. Last evaluated: 2025-06-01. Review status: criteria provided, single submitter. Criteria: CeGaT Center For Human Genetics Tuebingen Variant Classification Criteria Version 2. Collection method: clinical testing. Allele origin: germline. Affected: yes. Observed: 2 variant alleles.
Comment: TSC2: BP4, BS2

Myriad Genetics, Inc.
Classification: Benign for Tuberous sclerosis 2. Last evaluated: 2025-05-12. Review status: criteria provided, single submitter. Criteria: Myriad Autosomal Dominant, Autosomal Recessive and X-Linked Classification Criteria (2023). Collection method: clinical testing. Allele origin: unknown.
Comment: This variant is considered benign. This variant is intronic and is not expected to impact mRNA splicing. This variant has been observed at a population frequency that is significantly greater than expected given the associated disease prevalence and penetrance.

PreventionGenetics, part of Exact Sciences
Classification: Likely benign for TSC2-related condition. Last evaluated: 2025-01-03. Review status: criteria provided, single submitter. Criteria: ACMG Guidelines, 2015. Collection method: clinical testing. Allele origin: germline.
Comment: This variant is classified as likely benign based on ACMG/AMP sequence variant interpretation guidelines (Richards et al. 2015 PMID: 25741868, with internal and published modifications).

Genomic Medicine Laboratory, Hospital de Clinicas de Porto Alegre
Classification: Uncertain significance for Tuberous sclerosis complex. Last evaluated: 2024-12-19. Review status: criteria provided, single submitter. Criteria: ACMG Guidelines, 2015. Collection method: research, in vitro. Allele origin: germline, not applicable. Inheritance: Autosomal dominant inheritance. Affected: yes. Observed: 1 variant allele. Functional consequence: function uncertain.
Comment: The variant c.976+8G>A is located at intron 10 of the TSC2 gene. Splice AI did not predict splice alterations for this variant. The variant is present in the populational databases gnomAD, ExAC, and 1000 Genomes Project. In the cDNA analysis, no alteration in mRNA length, intron retention, or exon skipping was detected. ACMG criteria used to classify this variant: PM2 + BP4.

Blueprint Genetics
Classification: Likely benign. Last evaluated: 2024-09-10. Review status: criteria provided, single submitter. Criteria: ACMG Guidelines, 2015. Collection method: clinical testing. Allele origin: germline.

Genome-Nilou Lab
Classification: Benign for Tuberous sclerosis 2. Last evaluated: 2021-11-07. Review status: criteria provided, single submitter. Criteria: ACMG Guidelines, 2015. Collection method: clinical testing. Allele origin: germline. Affected: no.

Sema4
Classification: Likely benign for Hereditary cancer-predisposing syndrome. Last evaluated: 2021-08-17. Review status: criteria provided, single submitter. Criteria: Sema4 Curation Guidelines. Collection method: curation. Allele origin: germline.

GeneDx
Classification: Likely benign. Last evaluated: 2016-05-03. Review status: criteria provided, single submitter. Criteria: GeneDx Variant Classification (06012015). Collection method: clinical testing. Allele origin: germline. Affected: yes.
Comment: This variant is considered likely benign or benign based on one or more of the following criteria: it is a conservative change, it occurs at a poorly conserved position in the protein, it is predicted to be benign by multiple in silico algorithms, and/or has population frequency not consistent with disease.

Tuberous sclerosis database (TSC2)
No classification provided. Condition: TSC. Review status: no classification provided. Criteria: Tuberous Sclerosis Database Assertion Criteria 2015. Collection method: curation. Allele origin: germline. Affected: yes. Not counted in ClinVar's aggregate classification.

NM_000548.5(TSC2):c.975+8G>A

Gene: TSC2 (TSC complex subunit 2; plus strand). Cytogenetic location: 16p13.3.
Variant type: single nucleotide variant.
Coding change: c.975+8G>A on transcript NM_000548.5 (MANE Select); 8 bases into the intron after coding-DNA position 975, G replaced by A.
Molecular consequence: intron variant.
Genome position (GRCh38, 1-based): chr16:2,058,881, G>A. VCF-style: chr16-2058881-G-A. GRCh37 (hg19) VCF-style: chr16-2108882-G-A.
Other names: c.975+8G>A (NM_001114382.3, NM_021055.3, NM_001370405.1 and 4 more transcripts); c.864+8G>A (NM_001318827.2); c.375+8G>A (NM_001318831.2); c.828+8G>A (NM_001318829.2); c.1008+8G>A (NM_001318832.2).
Identifiers: ClinVar variation 49890 (VCV000049890.61), dbSNP rs137853984, ClinGen allele CA023213.
Genomic context (GRCh38, chr16:2,058,881, plus strand): 5'-GGCTCTATTCTCTCAGGAACTCGCCGACATCTGTGTTGCCATCATTTTACCAGGTAAGGC[G>A]GTTTCTGTGTGCAGTGAGCTGGCAGGAACGGGAGAGCTCCCCTCACGCCTGCCCACCCAT-3'